The following is an entry in ClinVar:

NM_001042492.3(NF1):c.1078C>G (p.Pro360Ala)

Gene: NF1 (neurofibromin 1; plus strand). Cytogenetic location: 17q11.2.
Variant type: single nucleotide variant.
Coding change: c.1078C>G on transcript NM_001042492.3 (MANE Select); coding-DNA position 1078, C replaced by G.
Protein change: p.Pro360Ala; replaces proline 360 with alanine.
Molecular consequence: missense variant.
Genome position (GRCh38, 1-based): chr17:31,201,052, C>G. VCF-style: chr17-31201052-C-G. GRCh37 (hg19) VCF-style: chr17-29528070-C-G.
Other names: c.1078C>G, p.Pro360Ala (NM_000267.4, NM_001128147.3); short protein forms P360A.
Identifiers: ClinVar variation 4888058 (VCV004888058.1).

ClinVar aggregate classification (germline): Uncertain significance (1 of 4 stars; one submission).

Submission:

GeneDx
Classification: Uncertain significance. Last evaluated: 2026-03-06. Review status: criteria provided, single submitter. Criteria: GeneDx Variant Classification Process June 2021. Collection method: clinical testing. Allele origin: germline.
Comment: Not observed at significant frequency in large population cohorts (gnomAD); In silico analysis supports that this missense variant has a deleterious effect on protein structure/function; Has not been previously published as pathogenic or benign to our knowledge